The following is an entry in ClinVar:

NM_000059.4(BRCA2):c.-7G>C

Gene: BRCA2 (BRCA2 DNA repair associated; plus strand). Cytogenetic location: 13q13.1.
Variant type: single nucleotide variant.
Coding change: c.-7G>C on transcript NM_000059.4 (MANE Select); 7 bases upstream of the start codon, G replaced by C.
Molecular consequence: 5 prime UTR variant. On other transcripts: non-coding transcript variant (1), intron variant (1).
Genome position (GRCh38, 1-based): chr13:32,316,454, G>C. VCF-style: chr13-32316454-G-C. GRCh37 (hg19) VCF-style: chr13-32890591-G-C.
Other names: c.-7G>C (NM_001406719.1, NM_001406720.1, NM_001406721.1); c.-303+787G>C (NM_001406722.1).
Identifiers: ClinVar variation 2874870 (VCV002874870.4), dbSNP rs2138697890, ClinGen allele CA2727805033.

ClinVar aggregate classification (germline): Uncertain significance. Review status: criteria provided, multiple submitters, no conflicts (2 of 4 stars). 2 submissions from 2 submitters: Uncertain significance (2). Last evaluated 2024-03-11.

Conditions:
Hereditary breast ovarian cancer syndrome. Also called: Hereditary breast and ovarian cancer syndrome; Hereditary breast and ovarian cancer; BRCA1- and BRCA2-Associated Hereditary Breast and Ovarian Cancer; Hereditary breast and/or ovarian cancer syndrome; Breast and ovarian cancer; Hereditary breast and ovarian cancer syndrome (HBOC). Identifiers: Orphanet 145, MedGen C0677776, MeSH D061325, MONDO:0003582. Disease mechanism: loss of function.
Hereditary cancer-predisposing syndrome. Also called: Neoplastic Syndromes, Hereditary; Hereditary Cancer Syndrome; Hereditary neoplastic syndrome; Tumor predisposition. Identifiers: Orphanet 140162, MedGen C0027672, MeSH D009386, MONDO:0015356.

Submissions (2):

Color Diagnostics, LLC DBA Color Health
Classification: Uncertain significance for Hereditary cancer-predisposing syndrome. Last evaluated: 2024-03-11. Review status: criteria provided, single submitter. Criteria: ACMG Guidelines, 2015. Collection method: clinical testing. Allele origin: germline.
Comment: This variant is located in the 5' untranslated region of the BRCA2 gene. To our knowledge, functional studies have not been reported for this variant. This variant has not been reported in individuals affected with BRCA2-related disorders in the literature. This variant has not been identified in the general population by the Genome Aggregation Database (gnomAD). The available evidence is insufficient to determine the role of this variant in disease conclusively. Therefore, this variant is classified as a Variant of Uncertain Significance.

Labcorp Genetics (formerly Invitae), Labcorp
Classification: Uncertain significance for Hereditary breast ovarian cancer syndrome. Last evaluated: 2023-10-04. Review status: criteria provided, single submitter. Criteria: Invitae Variant Classification Sherloc (09022015). Collection method: clinical testing. Allele origin: germline.
Comment: This variant occurs in a non-coding region of the BRCA2 gene. It does not change the encoded amino acid sequence of the BRCA2 protein. This variant is not present in population databases (gnomAD no frequency). This variant has not been reported in the literature in individuals affected with BRCA2-related conditions. In summary, the available evidence is currently insufficient to determine the role of this variant in disease. Therefore, it has been classified as a Variant of Uncertain Significance.